The following is an entry in ClinVar:

ClinVar aggregate classification (germline): Pathogenic. Review status: criteria provided, multiple submitters, no conflicts (2 of 4 stars). 12 submissions from 11 submitters: Pathogenic (5). 7 of the submissions do not count toward it. Last evaluated 2023-09-25.

Conditions:
FGFR2-related disorder. Identifiers: MedGen CN380096.
FGFR2-related craniosynostosis. Identifiers: MedGen CN231480.
Antley-Bixler syndrome without genital anomalies or disordered steroidogenesis (ABS2). Also called: MULTISYNOSTOTIC OSTEODYSGENESIS WITH LONG BONE FRACTURES; Antley-Bixler Syndrome, Autosomal Dominant; Trapezoidocephaly synostosis syndrome; Osteodysgenesis, multisynostotic with fractures. Identifiers: Orphanet 596008, Orphanet 83, MedGen C2936791, MONDO:0020667, OMIM 207410.
Pfeiffer syndrome type 3. Also called: Pfeiffer syndrome, type III. Identifiers: Orphanet 93260, MedGen C5438850, MONDO:0019661.
Pfeiffer syndrome (ACS5). Also called: ACS V. Identifiers: Orphanet 710, MedGen C0220658, MONDO:0007043, OMIM 101600.
Crouzon syndrome. Also called: CRANIOFACIAL DYSOSTOSIS, TYPE I; Craniofacial dysostosis; Craniofacial dysostosis type 1; Crouzon craniofacial dysostosis; Crouzon disease. Identifiers: Orphanet 207, MedGen C0010273, MeSH D003394, MONDO:0007405, OMIM 123500, HP:0004439.

Submissions (12):

Labcorp Genetics (formerly Invitae), Labcorp
Classification: Pathogenic for FGFR2-related craniosynostosis. Last evaluated: 2023-09-25. Review status: criteria provided, single submitter. Criteria: Invitae Variant Classification Sherloc (09022015). Collection method: clinical testing. Allele origin: germline.
Comment: ClinVar contains an entry for this variant (Variation ID: 13286). This missense change has been observed in individual(s) with severe forms of Crouzon or Pfeiffer syndromes (PMID: 8946174, 10406670, 16418739, 23348274, 24656465). In at least one individual the variant was observed to be de novo. This variant is not present in population databases (gnomAD no frequency). This sequence change replaces serine, which is neutral and polar, with cysteine, which is neutral and slightly polar, at codon 351 of the FGFR2 protein (p.Ser351Cys). For these reasons, this variant has been classified as Pathogenic. Advanced modeling of protein sequence and biophysical properties (such as structural, functional, and spatial information, amino acid conservation, physicochemical variation, residue mobility, and thermodynamic stability) performed at Invitae indicates that this missense variant is expected to disrupt FGFR2 protein function.

GeneDx
Classification: Pathogenic. Last evaluated: 2023-08-11. Review status: criteria provided, single submitter. Criteria: GeneDx Variant Classification Process June 2021. Collection method: clinical testing. Allele origin: germline. Affected: yes.
Comment: Recurrent variant in the immunoglobulin-like domain 3, typically associated with a severe form of Pfeiffer syndrome (Lajeunie et al., 2006; Stevens et al., 2006); Not observed at significant frequency in large population cohorts (gnomAD); In silico analysis supports that this missense variant has a deleterious effect on protein structure/function; This variant is associated with the following publications: (PMID: 8946174, 23754559, 16955501, 18391498, 34909104, 34367232, 30976282, 9714439, 10406670, 24127277, 23348274, 12544231, 20818252, 9605588, 15996217, 12072807, 16760743, 10633130, 29436723, 29280877, 29230096, 16465081, 9693549, 30355600, 31301044, 16418739, 31222448, 30976276, 32333414, 32732226, 34580403)

Genomic Diagnostic Laboratory, Division of Genomic Diagnostics, Children's Hospital of Philadelphia
Classification: Pathogenic for Pfeiffer syndrome. Last evaluated: 2016-09-17. Review status: criteria provided, single submitter. Criteria: DGD Variant Analysis Guidelines. Collection method: clinical testing. Allele origin: germline. Affected: yes. Observed: 7 variant alleles.
Comment: Clinical Testing

Equipe Genetique des Anomalies du Developpement, Université de Bourgogne
Classification: Pathogenic for Pfeiffer syndrome. Last evaluated: 2015-07-30. Review status: criteria provided, single submitter. Criteria: ACMG Guidelines, 2015. Collection method: clinical testing. Allele origin: de novo. Affected: yes. Study: Clinvar_gadteam_Clinical_exome_analysis_3.

3billion
Classification: Pathogenic for Crouzon syndrome. Review status: criteria provided, single submitter. Criteria: ACMG Guidelines, 2015. Collection method: clinical testing. Allele origin: unknown. Affected: yes. Observed: 1 heterozygote.
Comment: The variant is not observed in the gnomAD v2.1.1 dataset. The variant is located in a mutational hot spot and/or well-established functional domain in which established pathogenic variants have been reported. Missense changes are a common disease-causing mechanism. In silico tool predictions suggest damaging effect of the variant on gene or gene product (REVEL: 0.61; 3Cnet: 0.72). Same nucleotide change resulting in same amino acid change has been previously reported as pathogenic/likely pathogenic with strong evidence (ClinVar ID: VCV000013286 / PMID: 8946174). Therefore, this variant is classified as Pathogenic according to the recommendation of ACMG/AMP guideline.

PreventionGenetics, part of Exact Sciences
Classification: Pathogenic for FGFR2-related condition. Last evaluated: 2024-09-04. Review status: no assertion criteria provided. Collection method: clinical testing. Allele origin: germline. Not counted in ClinVar's aggregate classification.
Comment: The FGFR2 c.1052C>G variant is predicted to result in the amino acid substitution p.Ser351Cys. This variant has been well documented to be pathogenic for Pfeiffer syndrome (Gripp et al. 1998. PubMed ID: 9714439; Chokdeemboon et al. 2013. PubMed ID: 23348274; Nur BG et al 2014. PubMed ID: 24656465). It was also found in patients with Antley-Bixler and Beare-Stevenson syndromes (Roscioli et al. 2013. PubMed ID: 24127277). Additionally, this variant was documented in the de novo state in a fetus with Apert syndrome (Table S2. Fu et al. 2022. PubMed ID: 36307859). This variant is interpreted as pathogenic by multiple outside laboratories. This variant has not been reported in gnomAD, indicating it is rare. Taken together, this variant is interpreted as pathogenic.

Human Genetics Unit, University Of Colombo
Classification: Pathogenic for Pfeiffer syndrome. Last evaluated: 2021-12-01. Review status: no assertion criteria provided. Collection method: clinical testing. Allele origin: unknown. Inheritance: Autosomal dominant inheritance. Affected: yes. Observed: 1 heterozygote. Not counted in ClinVar's aggregate classification.

Pediatric Genetics Clinic, Sheba Medical Center
Classification: Pathogenic for Antley-Bixler syndrome without genital anomalies or disordered steroidogenesis. Last evaluated: 2021-05-13. Review status: no assertion criteria provided. Collection method: clinical testing. Allele origin: de novo. Affected: yes. Observed: 1 heterozygote. Not counted in ClinVar's aggregate classification.

OMIM
Classification: Pathogenic for PFEIFFER SYNDROME, TYPE III. Last evaluated: 2005-08-01. Review status: no assertion criteria provided. Collection method: literature only. Allele origin: germline. Not counted in ClinVar's aggregate classification.

OMIM
Classification: Pathogenic for ANTLEY-BIXLER SYNDROME WITHOUT GENITAL ANOMALIES OR DISORDERED STEROIDOGENESIS. Last evaluated: 2005-08-01. Review status: no assertion criteria provided. Collection method: literature only. Allele origin: germline. Not counted in ClinVar's aggregate classification.

Clinical Genetics DNA and cytogenetics Diagnostics Lab, Erasmus MC, Erasmus Medical Center
Classification: Pathogenic. Review status: no assertion criteria provided. Collection method: clinical testing. Allele origin: germline. Affected: yes. Study: VKGL Data-share Consensus. Not counted in ClinVar's aggregate classification.

Joint Genome Diagnostic Labs from Nijmegen and Maastricht, Radboudumc and MUMC+
Classification: Pathogenic. Review status: no assertion criteria provided. Collection method: clinical testing. Allele origin: germline. Affected: yes. Study: VKGL Data-share Consensus. Not counted in ClinVar's aggregate classification.

Literature cited by the submitters: PubMed 8946174 (cited by Labcorp Genetics (formerly Invitae), Labcorp and 3billion); PubMed 10406670 (cited by Labcorp Genetics (formerly Invitae), Labcorp and OMIM); PubMed 16418739 (cited by Labcorp Genetics (formerly Invitae), Labcorp); PubMed 23348274 (cited by Labcorp Genetics (formerly Invitae), Labcorp); PubMed 24656465 (cited by Labcorp Genetics (formerly Invitae), Labcorp); PubMed 8434615 (cited by OMIM); PubMed 9714439 (cited by OMIM); PubMed 8958319 (cited by OMIM); PubMed 9605588 (cited by OMIM); PubMed 10076886 (cited by OMIM); PubMed 10076887 (cited by OMIM); Chitayat, D., Chun, K. Reply to the letter to the editor by Gripp et al.--'not Antley-Bixler syndrome'. (Letter) Am. J. Med. Genet. 83: 67-68, 1999. (cited by OMIM); PubMed 10633130 (cited by OMIM); PubMed 15996217 (cited by OMIM).

NM_000141.5(FGFR2):c.1052C>G (p.Ser351Cys)

Gene: FGFR2 (fibroblast growth factor receptor 2; minus strand). Cytogenetic location: 10q26.13.
Variant type: single nucleotide variant.
Coding change: c.1052C>G on transcript NM_000141.5 (MANE Select); coding-DNA position 1052, C replaced by G.
Protein change: p.Ser351Cys; replaces serine 351 with cysteine.
Molecular consequence: missense variant. On other transcripts: non-coding transcript variant (1), intron variant (5).
Genome position (GRCh38, 1-based): chr10:121,517,351, G>C on the plus strand (C>G on the coding strand, the complement: FGFR2 is on the minus strand). VCF-style: chr10-121517351-G-C. GRCh37 (hg19) VCF-style: chr10-123276865-G-C.
Other names: (p.Ser351Cys); c.785C>G, p.Ser262Cys (NM_001144915.2, NM_023029.3); c.707C>G, p.Ser236Cys (NM_001144916.2, NM_001144918.2); c.368C>G, p.Ser123Cys (NM_001320654.2); c.1052C>G, p.Ser351Cys (NM_001320658.2); c.749-2032C>G (NM_001144914.1); c.939+2628C>G (NM_001144917.2); c.1087+1331C>G (NM_022970.4, NM_001144913.1); and 1 more; short protein forms S351C, S123C, S262C, S236C.
Identifiers: ClinVar variation 13286 (VCV000013286.24), dbSNP rs121918502, ClinGen allele CA122991.